The following is an entry in ClinVar:

ClinVar aggregate classification (germline): Uncertain significance. Review status: criteria provided, multiple submitters, no conflicts (2 of 4 stars). 2 submissions from 2 submitters: Uncertain significance (2). Last evaluated 2024-01-12.

Conditions:
Fanconi anemia (FA). Also called: Fanconi's anemia. Identifiers: Orphanet 84, MedGen C0015625, MeSH D005199, MONDO:0019391.

Allele frequency attached by ClinVar (database versions not stated): gnomAD exomes below 0.00001; gnomAD 0.00001.
gnomAD v4.1: 4 of 1,613,086 alleles (0.00025%); highest among the groups gnomAD compares: South Asian, 0.0033%; no homozygotes.

Submissions (2):

Quest Diagnostics Nichols Institute San Juan Capistrano
Classification: Uncertain significance. Last evaluated: 2024-01-12. Review status: criteria provided, single submitter. Criteria: Quest Diagnostics criteria. Collection method: clinical testing. Allele origin: unknown.
Comment: The FANCA c.3788T>C (p.Phe1263Ser) variant has been reported in the published literature in in an individual with Fanconi Anemia (PMID: 34585473 (2021)). The frequency of this variant in the general population, 0.0000066 (1/152076 chromosomes (Genome Aggregation Database)), is uninformative in the assessment of its pathogenicity. Analysis of this variant using bioinformatics tools for the prediction of the effect of amino acid changes on protein structure and function yielded conflicting predictions that this variant is benign or damaging. Based on the available information, we are unable to determine the clinical significance of this variant.

Dept. of Cytogenetics, ICMR- National Institute of Immunohaematology
Classification: Uncertain significance for Fanconi anemia. Review status: criteria provided, single submitter. Criteria: ACMG Guidelines, 2015. Collection method: clinical testing. Allele origin: germline. Affected: yes. Observed: 1 variant allele.

Literature cited by the submitters: PubMed 34585473 (cited by Quest Diagnostics Nichols Institute San Juan Capistrano).

NM_000135.4(FANCA):c.3788T>C (p.Phe1263Ser)

Genes: FANCA (FA complementation group A; minus strand), ZNF276 (zinc finger protein 276; plus strand). Cytogenetic location: 16q24.3.
Variant type: single nucleotide variant.
Coding change: c.3788T>C on transcript NM_000135.4 (MANE Select); coding-DNA position 3788, T replaced by C.
Protein change: p.Phe1263Ser; replaces phenylalanine 1263 with serine.
Molecular consequence: missense variant. On other transcripts: 3 prime UTR variant (2), non-coding transcript variant (4).
Genome position (GRCh38, 1-based): chr16:89,740,844, A>G on the plus strand (T>C on the coding strand, the complement: FANCA is on the minus strand). VCF-style: chr16-89740844-A-G. GRCh37 (hg19) VCF-style: chr16-89807252-A-G.
Other names: c.3788T>C, p.Phe1263Ser (NM_001286167.3); c.*2598A>G (NM_001113525.2, NM_152287.4); c.3788T>C (NM_000135.3); short protein forms F1263S.
Identifiers: ClinVar variation 1224500 (VCV001224500.3), dbSNP rs2062115558, ClinGen allele CA397485208.